The following is an entry in ClinVar:

NM_000018.4(ACADVL):c.1701_1702delinsAG (p.Leu568Val)

Gene: ACADVL (acyl-CoA dehydrogenase very long chain; plus strand). Cytogenetic location: 17p13.1.
Variant type: Indel.
Coding change: c.1701_1702delinsAG on transcript NM_000018.4 (MANE Select); coding-DNA positions 1701 to 1702, GC replaced by AG.
Protein change: p.Leu568Val; replaces leucine 568 with valine.
Molecular consequence: missense variant.
Genome position (GRCh38, 1-based): chr17:7,224,664-7,224,665, GC replaced by AG. VCF-style: chr17-7224664-GC-AG. GRCh37 (hg19) VCF-style: chr17-7127983-GC-AG.
Other names: c.1635_1636delinsAG, p.Leu546Val (NM_001033859.3); c.1770_1771delinsAG, p.Leu591Val (NM_001270447.2); c.1473_1474delinsAG, p.Leu492Val (NM_001270448.2); short protein forms L492V, L568V, L591V, L546V.
Identifiers: ClinVar variation 1483529 (VCV001483529.6), dbSNP rs2142989836, ClinGen allele CA2573154533.

ClinVar aggregate classification (germline): Uncertain significance (1 of 4 stars; one submission).

Conditions:
Very long chain acyl-CoA dehydrogenase deficiency (ACADVLD). Also called: VLCAD Deficiency; Very Long-Chain Acyl-Coenzyme A Dehydrogenase Deficiency. Identifiers: Orphanet 26793, MedGen C3887523, MONDO:0008723, OMIM 201475.

Submission:

Labcorp Genetics (formerly Invitae), Labcorp
Classification: Uncertain significance for Very long chain acyl-CoA dehydrogenase deficiency. Last evaluated: 2024-10-22. Review status: criteria provided, single submitter. Criteria: Invitae Variant Classification Sherloc (09022015). Collection method: clinical testing. Allele origin: germline.
Comment: This sequence change replaces leucine, which is neutral and non-polar, with valine, which is neutral and non-polar, at codon 568 of the ACADVL protein (p.Leu568Val). Information on the frequency of this variant in the gnomAD database is not available, as this variant may be reported differently in the database. This variant has not been reported in the literature in individuals affected with ACADVL-related conditions. ClinVar contains an entry for this variant (Variation ID: 1483529). Experimental studies and prediction algorithms are not available or were not evaluated, and the functional significance of this variant is currently unknown. In summary, the available evidence is currently insufficient to determine the role of this variant in disease. Therefore, it has been classified as a Variant of Uncertain Significance.